The following is an entry in ClinVar:

ClinVar aggregate classification (germline): Benign/Likely benign. Review status: criteria provided, multiple submitters, no conflicts (2 of 4 stars). 4 submissions from 4 submitters: Benign (2); Likely benign (2). Last evaluated 2026-01-07.

Submissions (4):

Labcorp Genetics (formerly Invitae), Labcorp
Classification: Benign. Last evaluated: 2026-01-07. Review status: criteria provided, single submitter. Criteria: Invitae Variant Classification Sherloc (09022015). Collection method: clinical testing. Allele origin: germline.

Laboratory of Genetics, Children's Clinical University Hospital Latvia
Classification: Benign. Last evaluated: 2025-02-16. Review status: criteria provided, single submitter. Criteria: ACMG Guidelines, 2015. Collection method: clinical testing. Allele origin: germline. Affected: yes.

Blueprint Genetics
Classification: Likely benign. Last evaluated: 2024-11-26. Review status: criteria provided, single submitter. Criteria: ACMG Guidelines, 2015. Collection method: clinical testing. Allele origin: germline.

Mayo Clinic Laboratories, Mayo Clinic
Classification: Likely benign. Last evaluated: 2024-09-20. Review status: criteria provided, single submitter. Criteria: ACMG Guidelines, 2015. Collection method: clinical testing. Allele origin: germline. Observed: 4 variant alleles.
Comment: BP4, BP7

NM_001378457.1(DMXL2):c.88-3dup

Gene: DMXL2 (Dmx like 2; minus strand). Cytogenetic location: 15q21.2.
Variant type: Duplication.
Coding change: c.88-3dup on transcript NM_001378457.1 (MANE Select); 3 bases into the intron before coding-DNA position 88, one base duplicated (T; older notation c.88-3dupT).
Molecular consequence: intron variant.
Genome position (GRCh38, 1-based): chr15:51,576,184, A duplicated on the plus strand (T on the coding strand, the reverse complement: DMXL2 is on the minus strand); the first of 20 consecutive A bases (chr15:51,576,184-51,576,203); duplicating any one gives the same sequence. VCF-style (leftmost placement, unchanged base first): chr15-51576183-T-TA. GRCh37 (hg19) VCF-style: chr15-51868380-T-TA.
Other names: p.?; c.88-3dup (NM_001174116.2, NM_001378460.1, NM_001174117.3 and 8 more transcripts).
Identifiers: ClinVar variation 2039713 (VCV002039713.7), dbSNP rs3078066, ClinGen allele CA7562933.
Genomic context (GRCh38, chr15:51,576,183, plus strand): 5'-ATCTGTACACATTCAAAGTCATTTGCCAAAATAACAATATCACAGCCTGATCCATATGCC[T>TA]AAAAAAAAAAAAAAAAAAAAGTTTTACAATACATAAGATATGTAACTTTTGAAATCTTAT-3'